The following is an entry in ClinVar:

ClinVar aggregate classification (germline): Likely pathogenic. Review status: criteria provided, multiple submitters, no conflicts (2 of 4 stars). 2 submissions from 2 submitters: Likely pathogenic (2). Last evaluated 2025-11-07.

Conditions:
Achromatopsia 2 (ACHM2). Also called: COLORBLINDNESS, TOTAL; ROD MONOCHROMACY 2; ROD MONOCHROMATISM 2. Identifiers: Orphanet 49382, MedGen C1857618, MONDO:0009003, OMIM 216900.
Retinal dystrophy. Also called: Inherited retinal dystrophy. Identifiers: Orphanet 71862, MedGen C0854723, MeSH D058499, MONDO:0019118, HP:0000556.

Submissions (2):

Women's Health and Genetics/Laboratory Corporation of America, LabCorp
Classification: Likely pathogenic for Achromatopsia 2. Last evaluated: 2025-11-07. Review status: criteria provided, single submitter. Criteria: LabCorp Variant Classification Summary - May 2015. Collection method: clinical testing. Allele origin: germline.
Comment: Variant summary: CNGA3 c.784G>C (p.Ala262Pro) results in a non-conservative amino acid change in the encoded protein sequence. Algorithms developed to predict the effect of missense changes on protein structure and function all suggest that this variant is likely to be disruptive. The variant was absent in 251452 control chromosomes. c.784G>C has been observed in individual(s) affected with Achromatopsia (example: Zobor_2017). At least one publication reports experimental evidence evaluating an impact on protein function (example: Solaki_2023). The most pronounced variant effect results in <10% of normal activity. The following publications have been ascertained in the context of this evaluation (PMID: 28159970, 37689994). ClinVar contains an entry for this variant (Variation ID: 3249789). Based on the evidence outlined above, the variant was classified as likely pathogenic.

Institute of Human Genetics, Univ. Regensburg, Univ. Regensburg
Classification: Likely pathogenic for Retinal dystrophy. Last evaluated: 2013-01-01. Review status: criteria provided, single submitter. Criteria: ACMG Guidelines, 2015. Collection method: clinical testing. Allele origin: germline. Affected: yes.

Literature cited by the submitters: PubMed 37689994 (cited by Women's Health and Genetics/Laboratory Corporation of America, LabCorp); PubMed 28159970 (cited by Women's Health and Genetics/Laboratory Corporation of America, LabCorp and Institute of Human Genetics, Univ. Regensburg, Univ. Regensburg).

NM_001298.3(CNGA3):c.784G>C (p.Ala262Pro)

Gene: CNGA3 (cyclic nucleotide gated channel subunit alpha 3; plus strand). Cytogenetic location: 2q11.2.
Variant type: single nucleotide variant.
Coding change: c.784G>C on transcript NM_001298.3 (MANE Select); coding-DNA position 784, G replaced by C.
Protein change: p.Ala262Pro; replaces alanine 262 with proline.
Molecular consequence: missense variant.
Genome position (GRCh38, 1-based): chr2:98,395,954, G>C. VCF-style: chr2-98395954-G-C. GRCh37 (hg19) VCF-style: chr2-99012417-G-C.
Other names: c.730G>C, p.Ala244Pro (NM_001079878.2); short protein forms A244P, A262P.
Identifiers: ClinVar variation 3249789 (VCV003249789.2).
Genomic context (GRCh38, chr2:98,395,954, plus strand): 5'-CATTACAAGACGACCACGCAGTTCAAGCTGGATGTGTTGTCCCTGGTCCCCACCGACCTG[G>C]CTTACTTAAAGGTGGGCACAAACTACCCAGAAGTGAGGTTCAACCGCCTACTGAAGTTTT-3'
Protein context (NP_001289.1, residues 252-272): DVLSLVPTDL[Ala262Pro]YLKVGTNYPE